The following is an entry in ClinVar:

NM_203486.3(DLL3):c.1384G>A (p.Ala462Thr)

Gene: DLL3 (delta like canonical Notch ligand 3; plus strand). Cytogenetic location: 19q13.2.
Variant type: single nucleotide variant.
Coding change: c.1384G>A on transcript NM_203486.3 (MANE Select); coding-DNA position 1384, G replaced by A.
Protein change: p.Ala462Thr; replaces alanine 462 with threonine.
Molecular consequence: missense variant.
Genome position (GRCh38, 1-based): chr19:39,507,329, G>A. VCF-style: chr19-39507329-G-A. GRCh37 (hg19) VCF-style: chr19-39997969-G-A.
Other names: c.1384G>A, p.Ala462Thr (NM_016941.4); short protein forms A462T.
Identifiers: ClinVar variation 426921 (VCV000426921.26), dbSNP rs182454962, ClinGen allele CA9432428.
Genomic context (GRCh38, chr19:39,507,329, plus strand): 5'-GGCCGCTGCTACGCCCACTTCTCCGGCCTCGTCTGCGCTTGCGCTCCCGGCTACATGGGA[G>A]CGCGGTGTGAGTTCCCAGTGCACCCCGACGGCGCAAGCGCCTTGCCCGCGGCCCCGCCGG-3'
Protein context (NP_982353.1, residues 452-472): VCACAPGYMG[Ala462Thr]RCEFPVHPDG

ClinVar aggregate classification (germline): Benign/Likely benign. Review status: criteria provided, multiple submitters, no conflicts (2 of 4 stars). 5 submissions from 5 submitters: Benign (2); Likely benign (2). 1 of the submissions does not count toward it. Last evaluated 2026-02-02.

Conditions:
Spondylocostal dysostosis 1, autosomal recessive (SCDO1). Also called: DLL3-Related Spondylocostal Dysostosis, Autosomal Recessive. Identifiers: Orphanet 2311, MedGen CN032975, MONDO:0020692, OMIM 277300.
DLL3-related disorder. Also called: DLL3-related condition.

Allele frequency attached by ClinVar (database versions not stated): gnomAD exomes 0.00097; ExAC 0.00135; ESP Exome Variant Server 0.00218; 1000 Genomes Project 30x 0.00406; gnomAD 0.00445 and 0.00494; 1000 Genomes Project 0.00479; TOPMed 0.00506.
gnomAD v4.1: 1,428 of 1,567,684 alleles (0.091%); highest among the groups gnomAD compares: African/African-American, 1.5%; 15 homozygotes.

Submissions (5):

Labcorp Genetics (formerly Invitae), Labcorp
Classification: Benign. Last evaluated: 2026-02-02. Review status: criteria provided, single submitter. Criteria: Invitae Variant Classification Sherloc (09022015). Collection method: clinical testing. Allele origin: germline.

ARUP Laboratories, Molecular Genetics and Genomics, ARUP Laboratories
Classification: Likely benign for Spondylocostal dysostosis 1, autosomal recessive. Last evaluated: 2025-06-20. Review status: criteria provided, single submitter. Criteria: ARUP Molecular Germline Variant Investigation Process 2024. Collection method: clinical testing. Allele origin: germline.

Blueprint Genetics
Classification: Likely benign. Last evaluated: 2024-10-09. Review status: criteria provided, single submitter. Criteria: ACMG Guidelines, 2015. Collection method: clinical testing. Allele origin: germline.

GeneDx
Classification: Benign. Last evaluated: 2018-07-03. Review status: criteria provided, single submitter. Criteria: GeneDx Variant Classification Process June 2021. Collection method: clinical testing. Allele origin: germline. Affected: yes.

PreventionGenetics, part of Exact Sciences
Classification: Benign for DLL3-related condition. Last evaluated: 2020-03-20. Review status: no assertion criteria provided. Collection method: clinical testing. Allele origin: germline. Not counted in ClinVar's aggregate classification.
Comment: This variant is classified as benign based on ACMG/AMP sequence variant interpretation guidelines (Richards et al. 2015 PMID: 25741868, with internal and published modifications).